The following is an entry in ClinVar:

NM_001164508.2(NEB):c.8333C>T (p.Pro2778Leu)

Gene: NEB (nebulin; minus strand). Cytogenetic location: 2q23.3.
Variant type: single nucleotide variant.
Coding change: c.8333C>T on transcript NM_001164508.2 (MANE Select); coding-DNA position 8333, C replaced by T.
Protein change: p.Pro2778Leu; replaces proline 2778 with leucine.
Molecular consequence: missense variant.
Genome position (GRCh38, 1-based): chr2:151,642,614, G>A on the plus strand (C>T on the coding strand, the complement: NEB is on the minus strand). VCF-style: chr2-151642614-G-A. GRCh37 (hg19) VCF-style: chr2-152499128-G-A.
Other names: c.8333C>T, p.Pro2778Leu (NM_004543.5, NM_001164507.2, NM_001271208.2); short protein forms P2778L.
Identifiers: ClinVar variation 1450361 (VCV001450361.6), dbSNP rs2154112954, ClinGen allele CA348812569.

ClinVar aggregate classification (germline): Uncertain significance (1 of 4 stars; one submission).

Conditions:
Nemaline myopathy 2 (NEM2). Also called: Nemaline myopathy 2, autosomal recessive. Identifiers: MedGen C1850569, MONDO:0009725, OMIM 256030.

Submission:

Labcorp Genetics (formerly Invitae), Labcorp
Classification: Uncertain significance for Nemaline myopathy 2. Last evaluated: 2023-07-07. Review status: criteria provided, single submitter. Criteria: Invitae Variant Classification Sherloc (09022015). Collection method: clinical testing. Allele origin: germline.
Comment: In summary, the available evidence is currently insufficient to determine the role of this variant in disease. Therefore, it has been classified as a Variant of Uncertain Significance. Experimental studies and prediction algorithms are not available or were not evaluated, and the functional significance of this variant is currently unknown. ClinVar contains an entry for this variant (Variation ID: 1450361). This variant has not been reported in the literature in individuals affected with NEB-related conditions. This sequence change replaces proline, which is neutral and non-polar, with leucine, which is neutral and non-polar, at codon 2778 of the NEB protein (p.Pro2778Leu). This variant is not present in population databases (gnomAD no frequency).